The following is an entry in ClinVar:

NM_014332.3(SMPX):c.73T>A (p.Phe25Ile)

Gene: SMPX (small muscle protein X-linked; minus strand). Cytogenetic location: Xp22.12.
Variant type: single nucleotide variant.
Coding change: c.73T>A on transcript NM_014332.3 (MANE Select); coding-DNA position 73, T replaced by A.
Protein change: p.Phe25Ile; replaces phenylalanine 25 with isoleucine.
Molecular consequence: missense variant. On other transcripts: non-coding transcript variant (1).
Genome position (GRCh38, 1-based): chrX:21,743,809, A>T on the plus strand (T>A on the coding strand, the complement: SMPX is on the minus strand). VCF-style: chrX-21743809-A-T. GRCh37 (hg19) VCF-style: chrX-21761927-A-T.
Other names: short protein forms F25I.
Identifiers: ClinVar variation 3684258 (VCV003684258.2).
Genomic context (GRCh38, chrX:21,743,809, plus strand): 5'-CCTCCTCCACTTCAGGAGTACATTCTTTTCTTCTGGGGGGTTGACCTGCTCCTGGCCGAA[A>T]GGCTCCCATTGGAATATTGATATTTGCCTAAAAGAGAAAACAGGGTAGGTTTAGCTCAAA-3'
Protein context (NP_055147.1, residues 15-35): QANINIPMGA[Phe25Ile]RPGAGQPPRR

ClinVar aggregate classification (germline): Uncertain significance (1 of 4 stars; one submission).

Submission:

Labcorp Genetics (formerly Invitae), Labcorp
Classification: Uncertain significance. Last evaluated: 2025-05-07. Review status: criteria provided, single submitter. Criteria: Invitae Variant Classification Sherloc (09022015). Collection method: clinical testing. Allele origin: germline.
Comment: This sequence change replaces phenylalanine, which is neutral and non-polar, with isoleucine, which is neutral and non-polar, at codon 25 of the SMPX protein (p.Phe25Ile). This variant is present in population databases (rs369871483, gnomAD 0.001%). This variant has not been reported in the literature in individuals affected with SMPX-related conditions. ClinVar contains an entry for this variant (Variation ID: 3684258). An algorithm developed to predict the effect of missense changes on protein structure and function (PolyPhen-2) suggests that this variant is likely to be tolerated. In summary, the available evidence is currently insufficient to determine the role of this variant in disease. Therefore, it has been classified as a Variant of Uncertain Significance.